The following is an entry in ClinVar:

ClinVar aggregate classification (germline): Uncertain significance (1 of 4 stars; one submission).

gnomAD v4.1: 1 of 1,591,990 alleles (0.000063%); no homozygotes.

Submission:

Labcorp Genetics (formerly Invitae), Labcorp
Classification: Uncertain significance. Last evaluated: 2024-11-19. Review status: criteria provided, single submitter. Criteria: Invitae Variant Classification Sherloc (09022015). Collection method: clinical testing. Allele origin: germline.
Comment: This sequence change falls in intron 12 of the SRCAP gene. It does not directly change the encoded amino acid sequence of the SRCAP protein. It affects a nucleotide within the consensus splice site. This variant is not present in population databases (gnomAD no frequency). This variant has not been reported in the literature in individuals affected with SRCAP-related conditions. Variants that disrupt the consensus splice site are a relatively common cause of aberrant splicing (PMID: 17576681, 9536098). Algorithms developed to predict the effect of sequence changes on RNA splicing suggest that this variant is not likely to affect RNA splicing. In summary, the available evidence is currently insufficient to determine the role of this variant in disease. Therefore, it has been classified as a Variant of Uncertain Significance.

Literature cited by the submitters: PubMed 17576681; PubMed 9536098.

NM_006662.3(SRCAP):c.1816-3C>T

Gene: SRCAP (Snf2 related CREBBP activator protein; plus strand). Cytogenetic location: 16p11.2.
Variant type: single nucleotide variant.
Coding change: c.1816-3C>T on transcript NM_006662.3 (MANE Select); 3 bases into the intron before coding-DNA position 1816, C replaced by T.
Molecular consequence: intron variant.
Genome position (GRCh38, 1-based): chr16:30,712,259, C>T. VCF-style: chr16-30712259-C-T. GRCh37 (hg19) VCF-style: chr16-30723580-C-T.
Identifiers: ClinVar variation 3725563 (VCV003725563.2).